The following is an entry in ClinVar:

ClinVar aggregate classification (germline): Conflicting classifications of pathogenicity. Review status: criteria provided, conflicting classifications (1 of 4 stars). 4 submissions from 4 submitters: Uncertain significance (1); Benign (1); Likely benign (2). Last evaluated 2025-11-11.

Conditions:
PLEC-related disorder. Also called: PLEC-related disorders; PLEC-related condition.
Epidermolysis bullosa simplex 5C, with pyloric atresia (EBS5C). Also called: PLEC-Related Epidermolysis Bullosa with Pyloric Atresia; PLEC1-Related Epidermolysis Bullosa with Pyloric Atresia; Epidermolysis bullosa simplex with pyloric atresia. Identifiers: Orphanet 158684, MedGen C2677349, MONDO:0012807, OMIM 612138.
Epidermolysis bullosa simplex, Ogna type (EBS5A). Also called: Pidermolysis bullosa simplex 5A, Ogna type; EPIDERMOLYSIS BULLOSA SIMPLEX 5A, OGNA TYPE. Identifiers: Orphanet 79401, MedGen C0432317, MONDO:0007555, OMIM 131950.
Epidermolysis bullosa simplex 5B, with muscular dystrophy (EBS5B). Also called: Epidermolysis bullosa simplex with muscular dystrophy; EPIDERMOLYSIS BULLOSA SIMPLEX AND LIMB-GIRDLE MUSCULAR DYSTROPHY. Identifiers: Orphanet 257, MedGen C2931072, MONDO:0009181, OMIM 226670.
Epidermolysis bullosa simplex with nail dystrophy (EBS5D). Identifiers: MedGen C4225309, MONDO:0014661, OMIM 616487.
Autosomal recessive limb-girdle muscular dystrophy type 2Q (LGMDR17). Also called: MUSCULAR DYSTROPHY, LIMB-GIRDLE, AUTOSOMAL RECESSIVE 17. Identifiers: Orphanet 254361, MedGen C3150989, MONDO:0013390, OMIM 613723.

Allele frequency attached by ClinVar (database versions not stated): TOPMed 0.00002; ExAC 0.00028; gnomAD exomes 0.00038; gnomAD 0.00064.
gnomAD v4.1: 223 of 1,572,562 alleles (0.014%); highest among the groups gnomAD compares: Admixed American, 0.0055%; 1 homozygote.

Submissions (4):

PreventionGenetics, part of Exact Sciences
Classification: Likely benign for PLEC-related condition. Last evaluated: 2025-11-11. Review status: criteria provided, single submitter. Criteria: ACMG Guidelines, 2015. Collection method: clinical testing. Allele origin: germline.
Comment: This variant is classified as likely benign based on ACMG/AMP sequence variant interpretation guidelines (Richards et al. 2015 PMID: 25741868, with internal and published modifications).

Labcorp Genetics (formerly Invitae), Labcorp
Classification: Benign for Autosomal recessive limb-girdle muscular dystrophy type 2Q; Epidermolysis bullosa simplex, Ogna type; Epidermolysis bullosa simplex with nail dystrophy; Epidermolysis bullosa simplex 5C, with pyloric atresia; Epidermolysis bullosa simplex 5B, with muscular dystrophy. Last evaluated: 2025-03-14. Review status: criteria provided, single submitter. Criteria: Invitae Variant Classification Sherloc (09022015). Collection method: clinical testing. Allele origin: germline.

Blueprint Genetics
Classification: Likely benign. Last evaluated: 2024-08-28. Review status: criteria provided, single submitter. Criteria: ACMG Guidelines, 2015. Collection method: clinical testing. Allele origin: germline.

Eurofins Ntd Llc (ga)
Classification: Uncertain significance. Last evaluated: 2017-07-03. Review status: criteria provided, single submitter. Criteria: EGL Classification Definitions 2015. Collection method: clinical testing. Allele origin: germline. Observed: 1 variant allele, 1 heterozygote.

NM_201384.3(PLEC):c.2425C>T (p.Leu809=)

Gene: PLEC (plectin; minus strand). Cytogenetic location: 8q24.3.
Variant type: single nucleotide variant.
Coding change: c.2425C>T on transcript NM_201384.3 (MANE Select); coding-DNA position 2425, C replaced by T.
Protein change: p.Leu809=; no amino-acid change (leucine 809 retained).
Molecular consequence: synonymous variant.
Genome position (GRCh38, 1-based): chr8:143,930,416, G>A on the plus strand (C>T on the coding strand, the complement: PLEC is on the minus strand). VCF-style: chr8-143930416-G-A. GRCh37 (hg19) VCF-style: chr8-145004584-G-A.
Other names: c.2506C>T (NM_000445.4); c.2506C>T, p.Leu836= (NM_000445.5); c.2383C>T, p.Leu795= (NM_201378.4); c.2359C>T, p.Leu787= (NM_201379.3); c.2836C>T, p.Leu946= (NM_201380.4); c.2329C>T, p.Leu777= (NM_201381.3); c.2425C>T, p.Leu809= (NM_201382.4); c.2437C>T, p.Leu813= (NM_201383.3).
Identifiers: ClinVar variation 593034 (VCV000593034.14), dbSNP rs771803576, ClinGen allele CA4927541.